The following is an entry in ClinVar:

ClinVar aggregate classification (germline): Uncertain significance. Review status: criteria provided, multiple submitters, no conflicts (2 of 4 stars). 4 submissions from 4 submitters: Uncertain significance (4). Last evaluated 2026-07-02.

Conditions:
Familial thoracic aortic aneurysm and aortic dissection (TAAD). Also called: Thoracic aortic aneurysms and dissections. Identifiers: Orphanet 91387, MedGen C4707243, MONDO:0019625.
Marfan syndrome (MFS). Also called: MARFAN SYNDROME, TYPE I; Marfan syndrome, classic; FBN1-Related Marfan Syndrome; Marfan syndrome type 1; Marfan's syndrome. Identifiers: Orphanet 284963, Orphanet 558, MedGen C0024796, MONDO:0007947, OMIM 154700.

Allele frequency attached by ClinVar (database versions not stated): gnomAD exomes 0.00001.
gnomAD v4.1: 8 of 1,613,894 alleles (0.0005%); highest among the groups gnomAD compares: Non-Finnish European, 0.00068%; no homozygotes.

Submissions (4):

Ambry Genetics
Classification: Uncertain significance for Familial thoracic aortic aneurysm and aortic dissection. Last evaluated: 2026-07-02. Review status: criteria provided, single submitter. Criteria: Ambry Variant Classification Scheme 2023. Collection method: clinical testing. Allele origin: germline.
Comment: The p.I2275V variant (also known as c.6823A>G), located in coding exon 55 of the FBN1 gene, results from an A to G substitution at nucleotide position 6823. The isoleucine at codon 2275 is replaced by valine, an amino acid with highly similar properties. This amino acid position is conserved. In addition, the in silico prediction for this alteration is inconclusive. Based on the available evidence, the clinical significance of this variant remains unclear.

Labcorp Genetics (formerly Invitae), Labcorp
Classification: Uncertain significance for Marfan syndrome; Familial thoracic aortic aneurysm and aortic dissection. Last evaluated: 2025-05-11. Review status: criteria provided, single submitter. Criteria: Invitae Variant Classification Sherloc (09022015). Collection method: clinical testing. Allele origin: germline.
Comment: This sequence change replaces isoleucine, which is neutral and non-polar, with valine, which is neutral and non-polar, at codon 2275 of the FBN1 protein (p.Ile2275Val). This variant is not present in population databases (gnomAD no frequency). This variant has not been reported in the literature in individuals affected with FBN1-related conditions. ClinVar contains an entry for this variant (Variation ID: 3070139). Invitae Evidence Modeling of protein sequence and biophysical properties (such as structural, functional, and spatial information, amino acid conservation, physicochemical variation, residue mobility, and thermodynamic stability) has been performed for this missense variant. However, the output from this modeling did not meet the statistical confidence thresholds required to predict the impact of this variant on FBN1 protein function. In summary, the available evidence is currently insufficient to determine the role of this variant in disease. Therefore, it has been classified as a Variant of Uncertain Significance.

All of Us Research Program, National Institutes of Health
Classification: Uncertain significance for Marfan syndrome. Last evaluated: 2023-04-03. Review status: criteria provided, single submitter. Criteria: ACMG Guidelines, 2015. Collection method: clinical testing. Allele origin: germline. Inheritance: Autosomal dominant inheritance. Observed: 1 variant allele, 1 heterozygote.
Comment: This missense variant replaces isoleucine with valine at codon 2275 of the FBN1 protein. Computational prediction suggests that this variant may not impact protein structure and function (internally defined REVEL score threshold <= 0.5, PMID: 27666373). To our knowledge, functional studies have not been reported for this variant. This variant has not been reported in individuals affected with FBN1-related disorders in the literature. This variant has not been identified in the general population by the Genome Aggregation Database (gnomAD). The available evidence is insufficient to determine the role of this variant in disease conclusively. Therefore, this variant is classified as a Variant of Uncertain Significance.

This study involves interpretation of variants in research participants for the purpose of population health screening. Participant phenotype was not available at the time of variant classification. Additional details can be found in publication PMID: 35346344, PMCID: PMC8962531

Blueprint Genetics
Classification: Uncertain significance. Last evaluated: 2018-09-18. Review status: criteria provided, single submitter. Criteria: ACMG Guidelines, 2015. Collection method: clinical testing. Allele origin: germline.

NM_000138.5(FBN1):c.6823A>G (p.Ile2275Val)

Gene: FBN1 (fibrillin 1; minus strand). Cytogenetic location: 15q21.1.
Variant type: single nucleotide variant.
Coding change: c.6823A>G on transcript NM_000138.5 (MANE Select); coding-DNA position 6823, A replaced by G.
Protein change: p.Ile2275Val; replaces isoleucine 2275 with valine.
Molecular consequence: missense variant.
Genome position (GRCh38, 1-based): chr15:48,430,719, T>C on the plus strand (A>G on the coding strand, the complement: FBN1 is on the minus strand). VCF-style: chr15-48430719-T-C. GRCh37 (hg19) VCF-style: chr15-48722916-T-C.
Other names: c.6823A>G, p.Ile2275Val (NM_001406716.1); short protein forms I2275V.
Identifiers: ClinVar variation 3070139 (VCV003070139.4), dbSNP rs2505419977, ClinGen allele CA392332220.